The following is an entry in ClinVar:

NM_004370.6(COL12A1):c.658G>T (p.Gly220Trp)

Gene: COL12A1 (collagen type XII alpha 1 chain; minus strand). Cytogenetic location: 6q13.
Variant type: single nucleotide variant.
Coding change: c.658G>T on transcript NM_004370.6 (MANE Select); coding-DNA position 658, G replaced by T.
Protein change: p.Gly220Trp; replaces glycine 220 with tryptophan.
Molecular consequence: missense variant. On other transcripts: intron variant (2).
Genome position (GRCh38, 1-based): chr6:75,189,552, C>A on the plus strand (G>T on the coding strand, the complement: COL12A1 is on the minus strand). VCF-style: chr6-75189552-C-A. GRCh37 (hg19) VCF-style: chr6-75899268-C-A.
Other names: c.658G>T, p.Gly220Trp (NM_001424113.1, NM_001424114.1, NM_001424115.1); c.73+13168G>T (NM_001424116.1, NM_080645.3); short protein forms G220W.
Identifiers: ClinVar variation 3760078 (VCV003760078.2).

ClinVar aggregate classification (germline): Uncertain significance (1 of 4 stars; one submission).

Conditions:
Ullrich congenital muscular dystrophy 2 (UCMD2). Identifiers: Orphanet 75840, MedGen C4225314, MONDO:0014654, OMIM 616470.
Bethlem myopathy 2 (BTHLM2). Identifiers: Orphanet 536516, Orphanet 610, MedGen C4225313, MONDO:0034022, OMIM 616471.

Submission:

Labcorp Genetics (formerly Invitae), Labcorp
Classification: Uncertain significance for Bethlem myopathy 2; Ullrich congenital muscular dystrophy 2. Last evaluated: 2025-04-14. Review status: criteria provided, single submitter. Criteria: Invitae Variant Classification Sherloc (09022015). Collection method: clinical testing. Allele origin: germline.
Comment: This sequence change replaces glycine, which is neutral and non-polar, with tryptophan, which is neutral and slightly polar, at codon 220 of the COL12A1 protein (p.Gly220Trp). This variant also falls at the last nucleotide of exon 6, which is part of the consensus splice site for this exon. This variant is not present in population databases (gnomAD no frequency). This variant has not been reported in the literature in individuals affected with COL12A1-related conditions. ClinVar contains an entry for this variant (Variation ID: 3760078). An algorithm developed to predict the effect of missense changes on protein structure and function (PolyPhen-2) suggests that this variant is likely to be disruptive. Variants that disrupt the consensus splice site are a relatively common cause of aberrant splicing (PMID: 17576681, 9536098). Algorithms developed to predict the effect of sequence changes on RNA splicing suggest that this variant may disrupt the consensus splice site. In summary, the available evidence is currently insufficient to determine the role of this variant in disease. Therefore, it has been classified as a Variant of Uncertain Significance.

Literature cited by the submitters: PubMed 17576681; PubMed 9536098.